The following is an entry in ClinVar:

ClinVar aggregate classification (germline): Uncertain significance. Review status: criteria provided, multiple submitters, no conflicts (2 of 4 stars). 3 submissions from 3 submitters: Uncertain significance (3). Last evaluated 2025-03-04.

Conditions:
Inborn genetic diseases. Identifiers: MedGen C0950123, MeSH D030342.

Allele frequency attached by ClinVar (database versions not stated): ExAC 0.00004; gnomAD exomes 0.00005 and 0.00011; gnomAD 0.00006 and 0.00007; ESP Exome Variant Server 0.00008; TOPMed 0.00008.
gnomAD v4.1: 196 of 1,613,370 alleles (0.012%); highest among the groups gnomAD compares: Non-Finnish European, 0.014%; no homozygotes.

Submissions (3):

Labcorp Genetics (formerly Invitae), Labcorp
Classification: Uncertain significance. Last evaluated: 2025-03-04. Review status: criteria provided, single submitter. Criteria: Invitae Variant Classification Sherloc (09022015). Collection method: clinical testing. Allele origin: germline.
Comment: This sequence change replaces glycine, which is neutral and non-polar, with arginine, which is basic and polar, at codon 474 of the PDE6B protein (p.Gly474Arg). This variant is present in population databases (rs375032863, gnomAD 0.01%). This variant has not been reported in the literature in individuals affected with PDE6B-related conditions. ClinVar contains an entry for this variant (Variation ID: 999502). Invitae Evidence Modeling of protein sequence and biophysical properties (such as structural, functional, and spatial information, amino acid conservation, physicochemical variation, residue mobility, and thermodynamic stability) has been performed for this missense variant. However, the output from this modeling did not meet the statistical confidence thresholds required to predict the impact of this variant on PDE6B protein function. In summary, the available evidence is currently insufficient to determine the role of this variant in disease. Therefore, it has been classified as a Variant of Uncertain Significance.

Blueprint Genetics
Classification: Uncertain significance. Last evaluated: 2023-12-21. Review status: criteria provided, single submitter. Criteria: ACMG Guidelines, 2015. Collection method: clinical testing. Allele origin: germline.

Ambry Genetics
Classification: Uncertain significance for Inborn genetic diseases. Last evaluated: 2022-07-20. Review status: criteria provided, single submitter. Criteria: Ambry Variant Classification Scheme 2023. Collection method: clinical testing. Allele origin: germline.

NM_000283.4(PDE6B):c.1420G>A (p.Gly474Arg)

Gene: PDE6B (phosphodiesterase 6B; plus strand). Cytogenetic location: 4p16.3.
Variant type: single nucleotide variant.
Coding change: c.1420G>A on transcript NM_000283.4 (MANE Select); coding-DNA position 1420, G replaced by A.
Protein change: p.Gly474Arg; replaces glycine 474 with arginine.
Molecular consequence: missense variant.
Genome position (GRCh38, 1-based): chr4:658,970, G>A. VCF-style: chr4-658970-G-A. GRCh37 (hg19) VCF-style: chr4-652759-G-A.
Other names: c.1420G>A, p.Gly474Arg (NM_001145291.2); c.583G>A, p.Gly195Arg (NM_001145292.2, NM_001350154.3, NM_001379246.1 and 1 more transcripts); c.265G>A, p.Gly89Arg (NM_001350155.3); c.1420G>A (NM_000283.3); short protein forms G195R, G474R, G89R.
Identifiers: ClinVar variation 999502 (VCV000999502.8), dbSNP rs375032863, ClinGen allele CA2794515.